The following is an entry in ClinVar:

ClinVar aggregate classification (germline): Uncertain significance. Review status: criteria provided, multiple submitters, no conflicts (2 of 4 stars). 2 submissions from 2 submitters: Uncertain significance (2). Last evaluated 2025-06-14.

Conditions:
Inborn genetic diseases. Identifiers: MedGen C0950123, MeSH D030342.

gnomAD v4.1: 58 of 1,613,842 alleles (0.0036%); highest among the groups gnomAD compares: Non-Finnish European, 0.0045%; no homozygotes.

Submissions (2):

Labcorp Genetics (formerly Invitae), Labcorp
Classification: Uncertain significance. Last evaluated: 2025-06-14. Review status: criteria provided, single submitter. Criteria: Invitae Variant Classification Sherloc (09022015). Collection method: clinical testing. Allele origin: germline.
Comment: This sequence change replaces valine, which is neutral and non-polar, with alanine, which is neutral and non-polar, at codon 140 of the ATP5A1 protein (p.Val140Ala). This variant is present in population databases (no rsID available, gnomAD 0.002%). This variant has not been reported in the literature in individuals affected with ATP5A1-related conditions. Invitae Evidence Modeling of protein sequence and biophysical properties (such as structural, functional, and spatial information, amino acid conservation, physicochemical variation, residue mobility, and thermodynamic stability) indicates that this missense variant is not expected to disrupt ATP5A1 protein function with a negative predictive value of 80%. In summary, the available evidence is currently insufficient to determine the role of this variant in disease. Therefore, it has been classified as a Variant of Uncertain Significance.

Ambry Genetics
Classification: Uncertain significance for Inborn genetic diseases. Last evaluated: 2025-04-21. Review status: criteria provided, single submitter. Criteria: Ambry Variant Classification Scheme 2023. Collection method: clinical testing. Allele origin: germline.

NM_004046.6(ATP5F1A):c.419T>C (p.Val140Ala)

Gene: ATP5F1A (ATP synthase F1 subunit alpha; minus strand). Cytogenetic location: 18q21.1.
Variant type: single nucleotide variant.
Coding change: c.419T>C on transcript NM_004046.6 (MANE Select); coding-DNA position 419, T replaced by C.
Protein change: p.Val140Ala; replaces valine 140 with alanine.
Molecular consequence: missense variant. On other transcripts: splice donor variant (1).
Genome position (GRCh38, 1-based): chr18:46,089,887, A>G on the plus strand (T>C on the coding strand, the complement: ATP5F1A is on the minus strand). VCF-style: chr18-46089887-A-G. GRCh37 (hg19) VCF-style: chr18-43669853-A-G.
Other names: c.269T>C, p.Val90Ala (NM_001001935.3, NM_001257335.2); c.419T>C, p.Val140Ala (NM_001001937.2); c.417+2T>C (NM_001257334.2); short protein forms V140A, V90A.
Identifiers: ClinVar variation 3972271 (VCV003972271.2).